The following is an entry in ClinVar:

NM_001875.5(CPS1):c.236+15T>C

Gene: CPS1 (carbamoyl-phosphate synthase 1; plus strand). Cytogenetic location: 2q34.
Variant type: single nucleotide variant.
Coding change: c.236+15T>C on transcript NM_001875.5 (MANE Select); 15 bases into the intron after coding-DNA position 236, T replaced by C.
Molecular consequence: intron variant.
Genome position (GRCh38, 1-based): chr2:210,573,422, T>C. VCF-style: chr2-210573422-T-C. GRCh37 (hg19) VCF-style: chr2-211438146-T-C.
Other names: c.236+15T>C (LRG_336t1, NM_001369257.1, NM_001122633.3); c.269+15T>C (NM_001369256.1).
Identifiers: ClinVar variation 511075 (VCV000511075.9), dbSNP rs538300887, ClinGen allele CA2085966.

ClinVar aggregate classification (germline): Likely benign. Review status: criteria provided, multiple submitters, no conflicts (2 of 4 stars). 2 submissions from 2 submitters: Likely benign (2). Last evaluated 2025-12-13.

Conditions:
Congenital hyperammonemia, type I. Also called: Carbamoyl-phosphate synthase I deficiency; CPS I DEFICIENCY; Carbamoyl phosphate synthetase 1 deficiency; Hyperammonemia due to carbamoyl phosphate synthetase 1 deficiency; CPS 1 deficiency; Carbamyl phosphate synthetase (CPS) deficiency. Identifiers: Orphanet 147, MedGen C4082171, MONDO:0009376, OMIM 237300.

Allele frequency attached by ClinVar (database versions not stated): 1000 Genomes Project 30x 0.00031; ExAC 0.00002; TOPMed 0.00002; gnomAD exomes 0.00003; gnomAD 0.00004; 1000 Genomes Project 0.00020.
gnomAD v4.1: 49 of 1,572,354 alleles (0.0031%); highest among the groups gnomAD compares: Admixed American, 0.0084%; no homozygotes.

Submissions (2):

Labcorp Genetics (formerly Invitae), Labcorp
Classification: Likely benign for Congenital hyperammonemia, type I. Last evaluated: 2025-12-13. Review status: criteria provided, single submitter. Criteria: Invitae Variant Classification Sherloc (09022015). Collection method: clinical testing. Allele origin: germline.

GeneDx
Classification: Likely benign. Last evaluated: 2017-08-14. Review status: criteria provided, single submitter. Criteria: GeneDx Variant Classification (06012015). Collection method: clinical testing. Allele origin: germline. Affected: yes.
Comment: This variant is considered likely benign or benign based on one or more of the following criteria: it is a conservative change, it occurs at a poorly conserved position in the protein, it is predicted to be benign by multiple in silico algorithms, and/or has population frequency not consistent with disease.